The following is an entry in ClinVar:

ClinVar aggregate classification (germline): Uncertain significance (1 of 4 stars; one submission).

Conditions:
46,XY sex reversal 6. Also called: 46,XY SEX REVERSAL, PARTIAL OR COMPLETE, MAP3K1-RELATED; 46,XY GONADAL DYSGENESIS, PARTIAL OR COMPLETE, MAP3K1-RELATED. Identifiers: MedGen C3151064, MONDO:0013410, OMIM 613762.

Submission:

Labcorp Genetics (formerly Invitae), Labcorp
Classification: Uncertain significance for 46,XY sex reversal 6. Last evaluated: 2024-10-15. Review status: criteria provided, single submitter. Criteria: Invitae Variant Classification Sherloc (09022015). Collection method: clinical testing. Allele origin: germline.
Comment: This sequence change replaces methionine, which is neutral and non-polar, with isoleucine, which is neutral and non-polar, at codon 1326 of the MAP3K1 protein (p.Met1326Ile). This variant is present in population databases (rs750773755, gnomAD 0.006%). This variant has not been reported in the literature in individuals affected with MAP3K1-related conditions. Invitae Evidence Modeling of protein sequence and biophysical properties (such as structural, functional, and spatial information, amino acid conservation, physicochemical variation, residue mobility, and thermodynamic stability) indicates that this missense variant is expected to disrupt MAP3K1 protein function with a positive predictive value of 80%. In summary, the available evidence is currently insufficient to determine the role of this variant in disease. Therefore, it has been classified as a Variant of Uncertain Significance.

NM_005921.2(MAP3K1):c.3978G>A (p.Met1326Ile)

Gene: MAP3K1 (mitogen-activated protein kinase kinase kinase 1; plus strand). Cytogenetic location: 5q11.2.
Variant type: single nucleotide variant.
Coding change: c.3978G>A on transcript NM_005921.2 (MANE Select); coding-DNA position 3978, G replaced by A.
Protein change: p.Met1326Ile; replaces methionine 1326 with isoleucine.
Molecular consequence: missense variant.
Genome position (GRCh38, 1-based): chr5:56,884,822, G>A. VCF-style: chr5-56884822-G-A. GRCh37 (hg19) VCF-style: chr5-56180649-G-A.
Other names: short protein forms M1326I.
Identifiers: ClinVar variation 3687665 (VCV003687665.2).
Genomic context (GRCh38, chr5:56,884,822, plus strand): 5'-CATTAGGATGTTGGGAGCCACGTGTGAGAAGAGCAATTACAATCTCTTCATTGAATGGAT[G>A]GCAGGTATGTTAATGTTTTAAATTACAAAATAGTAGTACGTGGATTTAACTTTCTGCAAT-3'
Protein context (NP_005912.1, residues 1316-1336): KSNYNLFIEW[Met1326Ile]AGGSVAHLLS